The following is an entry in ClinVar:

ClinVar aggregate classification (germline): Uncertain significance (1 of 4 stars; one submission).

gnomAD v4.1: 1 of 150,778 alleles (0.00066%); highest among the groups gnomAD compares: Non-Finnish European, 0.0015%; no homozygotes.

Submission:

Greenwood Genetic Center Diagnostic Laboratories, Greenwood Genetic Center
Classification: Uncertain significance. Last evaluated: 2025-12-30. Review status: criteria provided, single submitter. Criteria: ACMG Guidelines, 2015. Collection method: clinical testing. Allele origin: germline. Affected: yes.
Comment: PM2, PP3

NM_001277115.2(DNAH11):c.4818-282C>G

Gene: DNAH11 (dynein axonemal heavy chain 11; plus strand). Cytogenetic location: 7p15.3.
Variant type: single nucleotide variant.
Coding change: c.4818-282C>G on transcript NM_001277115.2 (MANE Select); 282 bases into the intron before coding-DNA position 4818, C replaced by G.
Molecular consequence: intron variant.
Genome position (GRCh38, 1-based): chr7:21,638,657, C>G. VCF-style: chr7-21638657-C-G. GRCh37 (hg19) VCF-style: chr7-21678275-C-G.
Identifiers: ClinVar variation 4845560 (VCV004845560.1).